The following is an entry in ClinVar:

NM_032043.3(BRIP1):c.1348G>A (p.Glu450Lys)

Gene: BRIP1 (BRCA1 interacting DNA helicase 1; minus strand). Cytogenetic location: 17q23.2.
Variant type: single nucleotide variant.
Coding change: c.1348G>A on transcript NM_032043.3 (MANE Select); coding-DNA position 1348, G replaced by A.
Protein change: p.Glu450Lys; replaces glutamic acid 450 with lysine.
Molecular consequence: missense variant.
Genome position (GRCh38, 1-based): chr17:61,793,722, C>T on the plus strand (G>A on the coding strand, the complement: BRIP1 is on the minus strand). VCF-style: chr17-61793722-C-T. GRCh37 (hg19) VCF-style: chr17-59871083-C-T.
Other names: short protein forms E450K.
Identifiers: ClinVar variation 1493259 (VCV001493259.9), dbSNP rs2077857156, ClinGen allele CA400482330.
Genomic context (GRCh38, chr17:61,793,722, plus strand): 5'-CACTCCATATTTTACAAGCTGATTCATAATCTCTTTCTACAAGATATTCAGCGTTTGCTT[C>T]TAACCAACTGAAATAAAATAAAACAATTGTGTCAACCAGTATCATCCTTACACACACTAT-3'
Protein context (NP_114432.2, residues 440-460): AVCCSLINWL[Glu450Lys]ANAEYLVERD

ClinVar aggregate classification (germline): Uncertain significance (1 of 4 stars; one submission).

Conditions:
Fanconi anemia complementation group J. Also called: BRIP1-Related Fanconi Anemia. Identifiers: Orphanet 84, MedGen C1836860, MONDO:0012187, OMIM 609054.
Familial cancer of breast. Also called: BREAST CANCER, FAMILIAL; Hereditary breast cancer; hereditary breast carcinoma. Identifiers: Orphanet 227535, MedGen C0346153, MONDO:0016419, OMIM 114480. Disease mechanism: loss of function.

Submission:

Labcorp Genetics (formerly Invitae), Labcorp
Classification: Uncertain significance for Familial cancer of breast; Fanconi anemia complementation group J. Last evaluated: 2021-05-21. Review status: criteria provided, single submitter. Criteria: Invitae Variant Classification Sherloc (09022015). Collection method: clinical testing. Allele origin: germline.
Comment: In summary, the available evidence is currently insufficient to determine the role of this variant in disease. Therefore, it has been classified as a Variant of Uncertain Significance. This variant is not present in population databases (ExAC no frequency). This sequence change replaces glutamic acid with lysine at codon 450 of the BRIP1 protein (p.Glu450Lys). The glutamic acid residue is weakly conserved and there is a small physicochemical difference between glutamic acid and lysine. Algorithms developed to predict the effect of missense changes on protein structure and function (SIFT, PolyPhen-2, Align-GVGD) all suggest that this variant is likely to be tolerated, but these predictions have not been confirmed by published functional studies and their clinical significance is uncertain. This variant has not been reported in the literature in individuals with BRIP1-related conditions.